The following is an entry in ClinVar:

NM_198271.5(LMOD3):c.511A>G (p.Arg171Gly)

Gene: LMOD3 (leiomodin 3; minus strand). Cytogenetic location: 3p14.1.
Variant type: single nucleotide variant.
Coding change: c.511A>G on transcript NM_198271.5 (MANE Select); coding-DNA position 511, A replaced by G.
Protein change: p.Arg171Gly; replaces arginine 171 with glycine.
Molecular consequence: missense variant.
Genome position (GRCh38, 1-based): chr3:69,119,844, T>C on the plus strand (A>G on the coding strand, the complement: LMOD3 is on the minus strand). VCF-style: chr3-69119844-T-C. GRCh37 (hg19) VCF-style: chr3-69168995-T-C.
Other names: c.511A>G, p.Arg171Gly (NM_001304418.3); c.511A>G (NM_198271.3); short protein forms R171G.
Identifiers: ClinVar variation 1047566 (VCV001047566.4), dbSNP rs376560960, ClinGen allele CA2488964.

ClinVar aggregate classification (germline): Uncertain significance. Review status: criteria provided, multiple submitters, no conflicts (2 of 4 stars). 2 submissions from 2 submitters: Uncertain significance (2). Last evaluated 2023-02-27.

Conditions:
Inborn genetic diseases. Identifiers: MedGen C0950123, MeSH D030342.
Nemaline myopathy 10 (NEM10). Identifiers: MedGen C4015360, MONDO:0014513, OMIM 616165.

Allele frequency attached by ClinVar (database versions not stated): TOPMed 0.00001; gnomAD 0.00002; gnomAD exomes 0.00002 and 0.00003; ExAC 0.00006; ESP Exome Variant Server 0.00016.
gnomAD v4.1: 36 of 1,565,406 alleles (0.0023%); highest among the groups gnomAD compares: Middle Eastern, 0.05%; no homozygotes.

Submissions (2):

Ambry Genetics
Classification: Uncertain significance for Inborn genetic diseases. Last evaluated: 2023-02-27. Review status: criteria provided, single submitter. Criteria: Ambry Variant Classification Scheme 2023. Collection method: clinical testing. Allele origin: germline.

Labcorp Genetics (formerly Invitae), Labcorp
Classification: Uncertain significance for Nemaline myopathy 10. Last evaluated: 2022-03-08. Review status: criteria provided, single submitter. Criteria: Invitae Variant Classification Sherloc (09022015). Collection method: clinical testing. Allele origin: germline.
Comment: This sequence change replaces arginine, which is basic and polar, with glycine, which is neutral and non-polar, at codon 171 of the LMOD3 protein (p.Arg171Gly). This variant is present in population databases (rs376560960, gnomAD 0.01%). This variant has not been reported in the literature in individuals affected with LMOD3-related conditions. ClinVar contains an entry for this variant (Variation ID: 1047566). Algorithms developed to predict the effect of missense changes on protein structure and function output the following: SIFT: "Tolerated"; PolyPhen-2: "Benign"; Align-GVGD: "Class C0". The glycine amino acid residue is found in multiple mammalian species, which suggests that this missense change does not adversely affect protein function. In summary, the available evidence is currently insufficient to determine the role of this variant in disease. Therefore, it has been classified as a Variant of Uncertain Significance.